The following is an entry in ClinVar:

NM_006904.7(PRKDC):c.9142A>G (p.Lys3048Glu)

Gene: PRKDC (protein kinase, DNA-activated, catalytic subunit; minus strand). Cytogenetic location: 8q11.21.
Variant type: single nucleotide variant.
Coding change: c.9142A>G on transcript NM_006904.7 (MANE Select); coding-DNA position 9142, A replaced by G.
Protein change: p.Lys3048Glu; replaces lysine 3048 with glutamic acid.
Molecular consequence: missense variant.
Genome position (GRCh38, 1-based): chr8:47,820,913, T>C on the plus strand (A>G on the coding strand, the complement: PRKDC is on the minus strand). VCF-style: chr8-47820913-T-C. GRCh37 (hg19) VCF-style: chr8-48733474-T-C.
Other names: c.9142A>G, p.Lys3048Glu (NM_001081640.2); short protein forms K3048E.
Identifiers: ClinVar variation 3225934 (VCV003225934.1), dbSNP rs2551865388, ClinGen allele CA371139892.

ClinVar aggregate classification (germline): Uncertain significance (1 of 4 stars; one submission).

Submission:

Ambry Genetics
Classification: Uncertain significance. Last evaluated: 2023-12-20. Review status: criteria provided, single submitter. Criteria: Ambry Variant Classification Scheme 2023. Collection method: clinical testing. Allele origin: germline.
Comment: The p.K3048E variant (also known as c.9142A>G), located in coding exon 66 of the PRKDC gene, results from an A to G substitution at nucleotide position 9142. The lysine at codon 3048 is replaced by glutamic acid, an amino acid with similar properties. This amino acid position is conserved. In addition, the in silico prediction for this alteration is inconclusive. Since supporting evidence is limited at this time, the clinical significance of this alteration remains unclear.